The following is an entry in ClinVar:

NM_001165963.4(SCN1A):c.3585T>C (p.Asn1195=)

Genes: SCN1A (sodium voltage-gated channel alpha subunit 1; minus strand), LOC102724058 (uncharacterized LOC102724058; plus strand). Cytogenetic location: 2q24.3.
Variant type: single nucleotide variant.
Coding change: c.3585T>C on transcript NM_001165963.4 (MANE Select); coding-DNA position 3585, T replaced by C.
Protein change: p.Asn1195=; no amino-acid change (asparagine 1195 retained).
Molecular consequence: synonymous variant. On other transcripts: non-coding transcript variant (1).
Genome position (GRCh38, 1-based): chr2:166,013,864, A>G on the plus strand (T>C on the coding strand, the complement: SCN1A is on the minus strand). VCF-style: chr2-166013864-A-G. GRCh37 (hg19) VCF-style: chr2-166870374-A-G.
Other names: c.3501T>C, p.Asn1167= (NM_001165964.3, NM_001353957.2, NM_001353958.2); c.3585T>C, p.Asn1195= (NM_001202435.3, NM_001353948.2); c.3552T>C, p.Asn1184= (NM_001353949.2, NM_001353950.2, NM_001353951.2 and 2 more transcripts); c.3549T>C, p.Asn1183= (NM_001353954.2, NM_001353955.2); c.3498T>C, p.Asn1166= (NM_001353960.2); c.1143T>C, p.Asn381= (NM_001353961.2).
Identifiers: ClinVar variation 382682 (VCV000382682.14), dbSNP rs138181528, ClinGen allele CA1942915.

ClinVar aggregate classification (germline): Conflicting classifications of pathogenicity. Review status: criteria provided, conflicting classifications (1 of 4 stars). 3 submissions from 3 submitters: Uncertain significance (1); Likely benign (2). Last evaluated 2024-10-22.

Conditions:
Early-infantile DEE. Also called: Ohtahara syndrome; Early infantile epileptic encephalopathy with suppression bursts; Early infantile epileptic encephalopathy. Identifiers: Orphanet 1934, MedGen C0393706, MONDO:0800491.

Allele frequency attached by ClinVar (database versions not stated): gnomAD exomes below 0.00001 and 0.00002; ExAC 0.00002; TOPMed 0.00002; gnomAD 0.00003 and 0.00004; ESP Exome Variant Server 0.00015.
gnomAD v4.1: 8 of 1,612,130 alleles (0.0005%); highest among the groups gnomAD compares: African/African-American, 0.008%; no homozygotes.

Submissions (3):

Labcorp Genetics (formerly Invitae), Labcorp
Classification: Likely benign for Early-infantile DEE. Last evaluated: 2024-10-22. Review status: criteria provided, single submitter. Criteria: Invitae Variant Classification Sherloc (09022015). Collection method: clinical testing. Allele origin: germline.

Eurofins Ntd Llc (ga)
Classification: Uncertain significance. Last evaluated: 2018-08-01. Review status: criteria provided, single submitter. Criteria: EGL ClinVar v180209 classification definitions. Collection method: clinical testing. Allele origin: germline. Observed: 1 variant allele, 1 heterozygote.

GeneDx
Classification: Likely benign. Last evaluated: 2016-01-12. Review status: criteria provided, single submitter. Criteria: GeneDx Variant Classification (06012015). Collection method: clinical testing. Allele origin: germline. Affected: yes.
Comment: This variant is considered likely benign or benign based on one or more of the following criteria: it is a conservative change, it occurs at a poorly conserved position in the protein, it is predicted to be benign by multiple in silico algorithms, and/or has population frequency not consistent with disease.